The following is an entry in ClinVar:

NM_000051.4(ATM):c.988G>A (p.Gly330Arg)

Gene: ATM (ATM serine/threonine kinase; plus strand). Cytogenetic location: 11q22.3.
Variant type: single nucleotide variant.
Coding change: c.988G>A on transcript NM_000051.4 (MANE Select); coding-DNA position 988, G replaced by A.
Protein change: p.Gly330Arg; replaces glycine 330 with arginine.
Molecular consequence: missense variant.
Genome position (GRCh38, 1-based): chr11:108,247,050, G>A. VCF-style: chr11-108247050-G-A. GRCh37 (hg19) VCF-style: chr11-108117777-G-A.
Other names: c.988G>A, p.Gly330Arg (NM_001351834.2); short protein forms G330R.
Identifiers: ClinVar variation 1413110 (VCV001413110.6), dbSNP rs2135267332, ClinGen allele CA382531228.

ClinVar aggregate classification (germline): Uncertain significance (1 of 4 stars; one submission).

Conditions:
Ataxia-telangiectasia syndrome (AT). Also called: LOUIS-BAR SYNDROME; Cerebello-oculocutaneous telangiectasia; Immunodeficiency with ataxia telangiectasia; ATAXIA-TELANGIECTASIA, COMPLEMENTATION GROUP A; ATAXIA-TELANGIECTASIA, FRESNO VARIANT; Ataxia-telangiectasia, complementation group D. Identifiers: Orphanet 100, MedGen C0004135, MONDO:0008840, OMIM 208900.

Submission:

Labcorp Genetics (formerly Invitae), Labcorp
Classification: Uncertain significance for Ataxia-telangiectasia syndrome. Last evaluated: 2021-08-24. Review status: criteria provided, single submitter. Criteria: Invitae Variant Classification Sherloc (09022015). Collection method: clinical testing. Allele origin: germline.
Comment: Advanced modeling of protein sequence and biophysical properties (such as structural, functional, and spatial information, amino acid conservation, physicochemical variation, residue mobility, and thermodynamic stability) performed at Invitae indicates that this missense variant is not expected to disrupt ATM protein function. In summary, the available evidence is currently insufficient to determine the role of this variant in disease. Therefore, it has been classified as a Variant of Uncertain Significance. This variant has not been reported in the literature in individuals affected with ATM-related conditions. This variant is not present in population databases (ExAC no frequency). This sequence change replaces glycine with arginine at codon 330 of the ATM protein (p.Gly330Arg). The glycine residue is moderately conserved and there is a moderate physicochemical difference between glycine and arginine.